The following is an entry in ClinVar:

ClinVar aggregate classification (germline): Conflicting classifications of pathogenicity. Review status: criteria provided, conflicting classifications (1 of 4 stars). 7 submissions from 7 submitters: Pathogenic (1); Likely pathogenic (3); Uncertain significance (1). 2 of the submissions do not count toward it. Last evaluated 2025-11-20.

Conditions:
Hereditary cancer-predisposing syndrome. Also called: Neoplastic Syndromes, Hereditary; Hereditary Cancer Syndrome; Tumor predisposition; Hereditary neoplastic syndrome. Identifiers: Orphanet 140162, MedGen C0027672, MeSH D009386, MONDO:0015356.
Cardiovascular phenotype. Identifiers: MedGen CN230736.
Neurofibromatosis, type 1 (NF1). Also called: VON RECKLINGHAUSEN DISEASE; NEUROFIBROMATOSIS, TYPE I, SOMATIC; Peripheral type neurofibromatosis; Neurofibromatosis, type I. Identifiers: Orphanet 636, MedGen C0027831, MONDO:0018975, OMIM 162200. Disease mechanism: loss of function.

Allele frequency attached by ClinVar (database versions not stated): gnomAD exomes below 0.00001.

Submissions (7):

Labcorp Genetics (formerly Invitae), Labcorp
Classification: Pathogenic for Neurofibromatosis, type 1. Last evaluated: 2025-11-20. Review status: criteria provided, single submitter. Criteria: Invitae Variant Classification Sherloc (09022015). Collection method: clinical testing. Allele origin: germline.
Comment: This sequence change falls in intron 13 of the NF1 gene. It does not directly change the encoded amino acid sequence of the NF1 protein. RNA analysis indicates that this variant induces altered splicing and likely results in a shortened protein product. This variant is not present in population databases (gnomAD no frequency). This variant has been observed in individual(s) with neurofibromatosis type 1 (PMID: 25074460; internal data). Invitae Evidence Modeling of clinical and family history, age, sex, and reported ancestry of multiple individuals with this NF1 variant has been performed. This variant is expected to be pathogenic with a positive predictive value of at least 99%. This is a validated machine learning model that incorporates the clinical features of 1,785,918 individuals referred to our laboratory for NF1 testing. ClinVar contains an entry for this variant (Variation ID: 648469). Variants that disrupt the consensus splice site are a relatively common cause of aberrant splicing (PMID: 17576681, 9536098). Studies have shown that this variant results in skipping of exon 13, but is expected to preserve the integrity of the reading-frame (PMID: 34906502; internal data). This variant disrupts a region of the NF1 protein in which other variant(s) (p.Leu499Arg, p.Lys476Glu) have been determined to be pathogenic (PMID: 26740943, 28529006, 30308447). This suggests that this is a clinically significant region of the protein, and that variants that disrupt it are likely to be disease-causing. For these reasons, this variant has been classified as Pathogenic.

GeneDx
Classification: Likely pathogenic. Last evaluated: 2025-07-28. Review status: criteria provided, single submitter. Criteria: GeneDx Variant Classification Process June 2021. Collection method: clinical testing. Allele origin: germline.
Comment: RNA studies demonstrate a damaging effect: aberrant splicing resulting in a frameshift product as well as an in-frame loss of an exon with no wild-type transcript produced (PMID: 34906502); Not observed at significant frequency in large population cohorts (gnomAD); This variant is associated with the following publications: (PMID: 25074460, 34906502, 34758253)

Ambry Genetics
Classification: Likely pathogenic for Cardiovascular phenotype; Hereditary cancer-predisposing syndrome. Last evaluated: 2025-04-12. Review status: criteria provided, single submitter. Criteria: Ambry Variant Classification Scheme 2023. Collection method: clinical testing. Allele origin: germline.
Comment: The c.1527+2dupT intronic variant results from a duplication of two nucleotides at nucleotide position 1527 after intron 13 of the NF1 gene. In silico splice site analysis predicts that this alteration will weaken the native splice donor site. The resulting transcript is predicted to be in-frame and is not expected to trigger nonsense-mediated mRNA decay; however, direct evidence is unavailable. The exact functional effect of the altered amino acid sequence is unknown; however, the impacted region is critical for protein function (Ambry internal data). This alteration was detected in an individual with neurofibromatosis type 1 (NF1) and in another individual with NF1 features (Ambry internal data; Pasmant E et al. Eur. J. Hum. Genet., 2015 May;23:596-601). Other alterations at this same donor splice site (c.1527+1G>T; c.1527+4_1527+7delAGTA) have been detected in multiple individuals with NF1, and RNA analysis demonstrated that these alterations caused in-frame skipping of exon 13 (Pros E et al. Hum. Mutat., 2008 Sep;29:E173-93; Hutter S et al. Hum. Genet., 2016 May;135:469-75; Messiaen LM et al. Genet. Med.; 1999,1:248-53; Ars E et al. J. Med. Genet., 2003 Jun;40:e82). This variant is considered to be rare based on population cohorts in the Genome Aggregation Database (gnomAD). This nucleotide position is highly conserved in available vertebrate species. Based on the majority of available evidence to date, this variant is likely to be pathogenic.

CeGaT Center for Human Genetics Tuebingen
Classification: Uncertain significance. Last evaluated: 2023-08-01. Review status: criteria provided, single submitter. Criteria: CeGaT Center For Human Genetics Tuebingen Variant Classification Criteria Version 2. Collection method: clinical testing. Allele origin: germline. Affected: yes. Observed: 1 variant allele.

Molecular Genetics, Royal Melbourne Hospital
Classification: Likely pathogenic for Neurofibromatosis, type 1. Last evaluated: 2023-03-30. Review status: criteria provided, single submitter. Criteria: ACMG Guidelines, 2015. Collection method: clinical testing. Allele origin: germline. Affected: yes.
Comment: This sequence change falls in the splice region of the donor site of intron 13 of NF1. The variant is absent from a large population cohort (gnomAD v2.1 and v3.1). This variant has been previously reported in an individual with neurofibromatosis type 1 (PMID: 25074460). Multiple lines of computational evidence predict a impact on splicing (SpliceAI, MaxEntScan, NNSplice). RNA studies establish the variant is associated with abnormal splicing in mRNA derived from whole blood (Splicing diagnostics, Kid's Neuroscience Centre). Based on the classification scheme RMH Modified ACMG Guidelines v1.3.1, this variant is classified as a LIKELY PATHOGENIC. Following criteria are met: PS3, PS4_Supporting, PM2_Supporting, PP3.

Genomics England Pilot Project, Genomics England
Classification: Likely pathogenic for Neurofibromatosis, type 1. Review status: no assertion criteria provided. Criteria: ACGS Guidelines, 2016. Collection method: clinical testing. Allele origin: germline. Affected: yes. Not counted in ClinVar's aggregate classification.

MGZ Medical Genetics Center
Classification: Uncertain significance for Neurofibromatosis, type 1. Last evaluated: 2022-06-13. Review status: flagged submission. Criteria: ACMG Guidelines, 2015. Collection method: clinical testing. Allele origin: germline. Affected: yes. Observed: 1 variant allele. Not counted in ClinVar's aggregate classification.
Comment: ACMG criteria applied: PS4_SUP, PM2_SUP, PP3
ClinVar note: Reason: Outlier claim with insufficient supporting evidence

Literature cited by the submitters: PubMed 25074460 (cited by 3 submitters); PubMed 17576681 (cited by Labcorp Genetics (formerly Invitae), Labcorp); PubMed 9536098 (cited by Labcorp Genetics (formerly Invitae), Labcorp); PubMed 34906502 (cited by Labcorp Genetics (formerly Invitae), Labcorp); PubMed 26740943 (cited by Labcorp Genetics (formerly Invitae), Labcorp); PubMed 28529006 (cited by Labcorp Genetics (formerly Invitae), Labcorp); PubMed 30308447 (cited by Labcorp Genetics (formerly Invitae), Labcorp); PubMed 11258625 (cited by Ambry Genetics); PubMed 12807981 (cited by Ambry Genetics); PubMed 18546366 (cited by Ambry Genetics); PubMed 26969325 (cited by Ambry Genetics).

NM_001042492.3(NF1):c.1527+2dup

Gene: NF1 (neurofibromin 1; plus strand). Cytogenetic location: 17q11.2.
Variant type: Duplication.
Coding change: c.1527+2dup on transcript NM_001042492.3 (MANE Select); the canonical splice donor site of the intron after coding-DNA position 1527, one base duplicated (T; older notation c.1527+2dupT).
Molecular consequence: splice donor variant.
Genome position (GRCh38, 1-based): chr17:31,214,587, T duplicated. VCF-style (leftmost placement, unchanged base first): chr17-31214586-G-GT. GRCh37 (hg19) VCF-style: chr17-29541604-G-GT.
Other names: c.1527+2dupT (NM_001042492.3, NM_000267.3); c.1527+1_1527+2insT (NM_001042492.3); c.1527+2dup (NM_000267.4, NM_001128147.3).
Identifiers: ClinVar variation 648469 (VCV000648469.51), dbSNP rs1597698533, ClinGen allele CA915949697.
Genomic context (GRCh38, chr17:31,214,586, plus strand): 5'-AAGTATCTTCTCTTGTCCATGGTGAAACTAATTCATGCAGATCCAAAGCTCTTGCTTTGT[G>GT]TAAGTATTTTTTTATGAAATGTCTCAAAATTATCACACTAAGTTAATTGGGTTTAGCTGA-3'